The following is an entry in ClinVar:

NM_000492.4(CFTR):c.1951G>C (p.Asp651His)

Gene: CFTR (CF transmembrane conductance regulator; plus strand). Cytogenetic location: 7q31.2.
Variant type: single nucleotide variant.
Coding change: c.1951G>C on transcript NM_000492.4 (MANE Select); coding-DNA position 1951, G replaced by C.
Protein change: p.Asp651His; replaces aspartic acid 651 with histidine.
Molecular consequence: missense variant.
Genome position (GRCh38, 1-based): chr7:117,592,118, G>C. VCF-style: chr7-117592118-G-C. GRCh37 (hg19) VCF-style: chr7-117232172-G-C.
Other names: short protein forms D651H.
Identifiers: ClinVar variation 2630690 (VCV002630690.6), dbSNP rs780526529, ClinGen allele CA368978971.

ClinVar aggregate classification (germline): Uncertain significance. Review status: criteria provided, multiple submitters, no conflicts (2 of 4 stars). 3 submissions from 3 submitters: Uncertain significance (2). 1 of the submissions does not count toward it. Last evaluated 2026-06-30.

Conditions:
CFTR-related disorder (CFTR-RD). Also called: CFTR-related disorders; CFTR-related condition. Identifiers: MedGen C5924204, MONDO:7770004.
Cystic fibrosis (CF). Also called: MUCOVISCIDOSIS. Identifiers: Orphanet 586, MedGen C0010674, MONDO:0009061, OMIM 219700. Disease mechanism: loss of function.

Submissions (3):

Women's Health and Genetics/Laboratory Corporation of America, LabCorp
Classification: Uncertain significance. Last evaluated: 2026-06-30. Review status: criteria provided, single submitter. Criteria: LabCorp Variant Classification Summary - May 2015. Collection method: clinical testing. Allele origin: germline.
Comment: Variant summary: CFTR c.1951G>C (p.Asp651His) results in a non-conservative amino acid change in the encoded protein sequence. Algorithms developed to predict the effect of missense changes on protein structure and function all suggest that this variant is likely to be disruptive. The variant was absent in 250960 control chromosomes. c.1951G>C has been observed in one individual affected with Obstructive azoospermia (Mittre_2002). These data do not allow any conclusion about variant significance. At least one publication reports experimental evidence evaluating an impact on protein function. The most pronounced variant effect resulted in approximately (Gt channel conductance) 39% of normal chloride channel conductance relative to wild type (e.g., Bihler_2024). ClinVar contains an entry for this variant (Variation ID: 2630690). Based on the evidence outlined above, the variant was classified as VUS-possibly pathogenic.

Ambry Genetics
Classification: Uncertain significance for Cystic fibrosis. Last evaluated: 2026-02-17. Review status: criteria provided, single submitter. Criteria: Ambry Variant Classification Scheme 2023. Collection method: clinical testing. Allele origin: germline.

PreventionGenetics, part of Exact Sciences
Classification: Uncertain significance for CFTR-related condition. Last evaluated: 2023-12-15. Review status: no assertion criteria provided. Collection method: clinical testing. Allele origin: germline. Not counted in ClinVar's aggregate classification.
Comment: The CFTR c.1951G>C variant is predicted to result in the amino acid substitution p.Asp651His. To our knowledge, this variant has not been reported in the literature or in a large population database, indicating this variant is rare. However, it has been reported in a locus specific database in the compound heterozygous state in a patient with azoospermia. At this time, the clinical significance of this variant is uncertain due to the absence of conclusive functional and genetic evidence.

Literature cited by the submitters: PubMed 38388235 (cited by Women's Health and Genetics/Laboratory Corporation of America, LabCorp).